The following is an entry in ClinVar:

ClinVar aggregate classification (germline): Uncertain significance (1 of 4 stars; one submission).

Conditions:
Cardiovascular phenotype. Identifiers: MedGen CN230736.

Submission:

Ambry Genetics
Classification: Uncertain significance for Cardiovascular phenotype. Last evaluated: 2026-07-07. Review status: criteria provided, single submitter. Criteria: Ambry Variant Classification Scheme 2023. Collection method: clinical testing. Allele origin: germline.
Comment: The p.Q557H variant (also known as c.1671A>C), located in coding exon 12 of the DSG2 gene, results from an A to C substitution at nucleotide position 1671. The glutamine at codon 557 is replaced by histidine, an amino acid with highly similar properties. This amino acid position is conserved. In addition, this alteration is predicted to be tolerated by in silico analysis. Based on the available evidence, the clinical significance of this variant remains unclear.

NM_001943.5(DSG2):c.1671A>C (p.Gln557His)

Gene: DSG2 (desmoglein 2; plus strand). Cytogenetic location: 18q12.1.
Variant type: single nucleotide variant.
Coding change: c.1671A>C on transcript NM_001943.5 (MANE Select); coding-DNA position 1671, A replaced by C.
Protein change: p.Gln557His; replaces glutamine 557 with histidine.
Molecular consequence: missense variant.
Genome position (GRCh38, 1-based): chr18:31,538,770, A>C. VCF-style: chr18-31538770-A-C. GRCh37 (hg19) VCF-style: chr18-29118733-A-C.
Other names: short protein forms Q557H.
Identifiers: ClinVar variation 5035608 (VCV005035608.1).